The following is an entry in ClinVar:

ClinVar aggregate classification (germline): Uncertain significance. Review status: criteria provided, multiple submitters, no conflicts (2 of 4 stars). 5 submissions from 5 submitters: Uncertain significance (5). Last evaluated 2025-03-30.

Conditions:
Progressive sclerosing poliodystrophy (MTDPS4A). Also called: ALPERS DIFFUSE DEGENERATION OF CEREBRAL GRAY MATTER WITH HEPATIC CIRRHOSIS; Alpers-Huttenlocher Syndrome; ALPERS PROGRESSIVE INFANTILE POLIODYSTROPHY; NEURONAL DEGENERATION OF CHILDHOOD WITH LIVER DISEASE, PROGRESSIVE; Mitochondrial DNA Depletion Syndrome 4A; Alpers-Huttenlocher Syndrome (AHS). Identifiers: Orphanet 726, MedGen C0205710, MONDO:0008758, OMIM 203700.

Allele frequency attached by ClinVar (database versions not stated): gnomAD exomes 0.00001 and 0.00003; TOPMed 0.00001; ExAC 0.00002; ESP Exome Variant Server 0.00008; gnomAD 0.00001.
gnomAD v4.1: 45 of 1,613,308 alleles (0.0028%); highest among the groups gnomAD compares: Non-Finnish European, 0.0036%; no homozygotes.

Submissions (5):

Labcorp Genetics (formerly Invitae), Labcorp
Classification: Uncertain significance for Progressive sclerosing poliodystrophy. Last evaluated: 2025-03-30. Review status: criteria provided, single submitter. Criteria: Invitae Variant Classification Sherloc (09022015). Collection method: clinical testing. Allele origin: germline.
Comment: This sequence change replaces glutamine, which is neutral and polar, with histidine, which is basic and polar, at codon 285 of the POLG protein (p.Gln285His). This variant also falls at the last nucleotide of exon 3, which is part of the consensus splice site for this exon. This variant is present in population databases (rs141367015, gnomAD 0.004%). This variant has not been reported in the literature in individuals affected with POLG-related conditions. ClinVar contains an entry for this variant (Variation ID: 206584). An algorithm developed to predict the effect of missense changes on protein structure and function (PolyPhen-2) suggests that this variant is likely to be disruptive. Variants that disrupt the consensus splice site are a relatively common cause of aberrant splicing (PMID: 17576681, 9536098). In summary, the available evidence is currently insufficient to determine the role of this variant in disease. Therefore, it has been classified as a Variant of Uncertain Significance.

GeneDx
Classification: Uncertain significance. Last evaluated: 2024-02-08. Review status: criteria provided, single submitter. Criteria: GeneDx Variant Classification Process June 2021. Collection method: clinical testing. Allele origin: germline. Affected: yes.
Comment: Has not been previously published as pathogenic or benign to our knowledge; Not observed at significant frequency in large population cohorts (gnomAD); In silico analysis supports that this missense variant does not alter protein structure/function

Mayo Clinic Laboratories, Mayo Clinic
Classification: Uncertain significance. Last evaluated: 2021-10-21. Review status: criteria provided, single submitter. Criteria: ACMG Guidelines, 2015. Collection method: clinical testing. Allele origin: germline.

Wong Mito Lab, Molecular and Human Genetics, Baylor College of Medicine
Classification: Uncertain significance for Progressive sclerosing poliodystrophy. Last evaluated: 2018-10-01. Review status: criteria provided, single submitter. Criteria: ACMG Guidelines, 2015. Collection method: clinical testing. Allele origin: germline.
Comment: The NM_002693.2:c.855G>C (NP_002684.1:p.Gln285His) [GRCH38: NC_000015.10:g.89330081C>G] variant in POLG gene is interpretated to be a Uncertain Significance based on ACMG guidelines (PMID: 25741868). This variant meets the following evidence codes reported in the ACMG-guideline. BP4:Computational evidence/predictors indicate no impact on the POLG structure, function, or protein-protein interaction. Based on the evidence criteria codes applied, the variant is suggested to be Uncertain Significance.

Eurofins Ntd Llc (ga)
Classification: Uncertain significance. Last evaluated: 2018-01-24. Review status: criteria provided, single submitter. Criteria: EGL Classification Definitions 2015. Collection method: clinical testing. Allele origin: germline. Observed: 1 variant allele, 1 heterozygote.

Literature cited by the submitters: PubMed 17576681 (cited by Labcorp Genetics (formerly Invitae), Labcorp); PubMed 9536098 (cited by Labcorp Genetics (formerly Invitae), Labcorp).

NM_002693.3(POLG):c.855G>C (p.Gln285His)

Gene: POLG (DNA polymerase gamma, catalytic subunit; minus strand). Cytogenetic location: 15q26.1.
Variant type: single nucleotide variant.
Coding change: c.855G>C on transcript NM_002693.3 (MANE Select); coding-DNA position 855, G replaced by C.
Protein change: p.Gln285His; replaces glutamine 285 with histidine.
Molecular consequence: missense variant.
Genome position (GRCh38, 1-based): chr15:89,330,081, C>G on the plus strand (G>C on the coding strand, the complement: POLG is on the minus strand). VCF-style: chr15-89330081-C-G. GRCh37 (hg19) VCF-style: chr15-89873312-C-G.
Other names: p.Q285H:CAG>CAC; p.Gln285His; c.855G>C, p.Gln285His (NM_001126131.2); short protein forms Q285H.
Identifiers: ClinVar variation 206584 (VCV000206584.17), dbSNP rs141367015, ClinGen allele CA316812.